The following is an entry in ClinVar:

NM_024675.4(PALB2):c.1475G>A (p.Gly492Glu)

Gene: PALB2 (partner and localizer of BRCA2; minus strand). Cytogenetic location: 16p12.2.
Variant type: single nucleotide variant.
Coding change: c.1475G>A on transcript NM_024675.4 (MANE Select); coding-DNA position 1475, G replaced by A.
Protein change: p.Gly492Glu; replaces glycine 492 with glutamic acid.
Molecular consequence: missense variant. On other transcripts: intron variant (3).
Genome position (GRCh38, 1-based): chr16:23,635,071, C>T on the plus strand (G>A on the coding strand, the complement: PALB2 is on the minus strand). VCF-style: chr16-23635071-C-T. GRCh37 (hg19) VCF-style: chr16-23646392-C-T.
Other names: c.1415G>A, p.Gly472Glu (NM_001407296.1); c.1475G>A, p.Gly492Glu (NM_001407297.1, NM_001407298.1, NM_001407299.1 and 3 more transcripts); c.590G>A, p.Gly197Glu (NM_001407304.1, NM_001407305.1, NM_001407306.1 and 5 more transcripts); c.49-5796G>A (NM_001407314.1); c.-104-4602G>A (NM_001407313.1, NM_001407312.1); short protein forms G472E, G492E, G197E.
Identifiers: ClinVar variation 3885220 (VCV003885220.1).

ClinVar aggregate classification (germline): Uncertain significance (1 of 4 stars; one submission).

Conditions:
Hereditary cancer-predisposing syndrome. Also called: Tumor predisposition; Neoplastic Syndromes, Hereditary; Hereditary Cancer Syndrome; Hereditary neoplastic syndrome. Identifiers: Orphanet 140162, MedGen C0027672, MeSH D009386, MONDO:0015356.

Submission:

Ambry Genetics
Classification: Uncertain significance for Hereditary cancer-predisposing syndrome. Last evaluated: 2025-02-06. Review status: criteria provided, single submitter. Criteria: Ambry Variant Classification Scheme 2023. Collection method: clinical testing. Allele origin: germline.
Comment: The p.G492E variant (also known as c.1475G>A), located in coding exon 4 of the PALB2 gene, results from a G to A substitution at nucleotide position 1475. The glycine at codon 492 is replaced by glutamic acid, an amino acid with similar properties. This amino acid position is conserved. In addition, this alteration is predicted to be tolerated by in silico analysis. Based on the available evidence, the clinical significance of this variant remains unclear.